The following is an entry in ClinVar:

ClinVar aggregate classification (germline): Uncertain significance (1 of 4 stars; one submission).

Submission:

Women's Health and Genetics/Laboratory Corporation of America, LabCorp
Classification: Uncertain significance. Last evaluated: 2026-02-11. Review status: criteria provided, single submitter. Criteria: LabCorp Variant Classification Summary - May 2015. Collection method: clinical testing. Allele origin: germline.
Comment: Variant summary: ANXA11 c.858+6T>C alters a non-conserved nucleotide located close to a canonical splice site and therefore could affect mRNA splicing, leading to a significantly altered protein sequence. Several computational tools predict a significant impact on normal splicing: Two predict the variant creates a cryptic 5' donor site and one predicts the variant strengthens a cryptic 5' donor site. However, these predictions have yet to be confirmed by functional studies. The frequency data for this variant in gnomAD is considered unreliable, as metrics indicate poor data quality at this position. To our knowledge, no occurrence of c.858+6T>C in individuals affected with ANXA11-related conditions and no experimental evidence demonstrating its impact on protein function have been reported. No submitters have cited clinical-significance assessments for this variant to ClinVar. Based on the evidence outlined above, the variant was classified as uncertain significance.

NM_145868.2(ANXA11):c.858+6T>C

Gene: ANXA11 (annexin A11; minus strand). Cytogenetic location: 10q22.3.
Variant type: single nucleotide variant.
Coding change: c.858+6T>C on transcript NM_145868.2 (MANE Select); 6 bases into the intron after coding-DNA position 858, T replaced by C.
Molecular consequence: intron variant.
Genome position (GRCh38, 1-based): chr10:80,166,078, A>G on the plus strand (T>C on the coding strand, the complement: ANXA11 is on the minus strand). VCF-style: chr10-80166078-A-G. GRCh37 (hg19) VCF-style: chr10-81925834-A-G.
Other names: c.858+6T>C (NM_001278407.2, NM_001157.3, NM_145869.2 and 1 more transcripts); c.759+6T>C (NM_001278409.2).
Identifiers: ClinVar variation 4847886 (VCV004847886.1).
Genomic context (GRCh38, chr10:80,166,078, plus strand): 5'-ATGCGCGCGTGCGCACACACGCGCGCACACACACACACACACACACACACACACACACGT[A>G]CACACCTTGATGGCTTCCTTTATCTCATAAATGTCAAAGAGGACTGGGGTCTTCATCAGA-3'